The following is an entry in ClinVar:

NM_001253852.3(AP4B1):c.1474C>G (p.Gln492Glu)

Genes: AP4B1 (adaptor related protein complex 4 subunit beta 1; minus strand), AP4B1-AS1 (AP4B1 antisense RNA 1; plus strand). Cytogenetic location: 1p13.2.
Variant type: single nucleotide variant.
Coding change: c.1474C>G on transcript NM_001253852.3 (MANE Select); coding-DNA position 1474, C replaced by G.
Protein change: p.Gln492Glu; replaces glutamine 492 with glutamic acid.
Molecular consequence: missense variant.
Genome position (GRCh38, 1-based): chr1:113,896,294, G>C on the plus strand (C>G on the coding strand, the complement: AP4B1 is on the minus strand). VCF-style: chr1-113896294-G-C. GRCh37 (hg19) VCF-style: chr1-114438916-G-C.
Other names: c.1177C>G, p.Gln393Glu (NM_001253853.3); c.970C>G, p.Gln324Glu (NM_001308312.2); c.1474C>G, p.Gln492Glu (NM_006594.5); short protein forms Q393E, Q324E, Q492E.
Identifiers: ClinVar variation 1359361 (VCV001359361.8), dbSNP rs1054252163, ClinGen allele CA28995312.
Genomic context (GRCh38, chr1:113,896,294, plus strand): 5'-ACTATTTCCTTCTGAAAAACCCACCTATGCAGTAATACAACAAACGTCCTAGCATGTCCT[G>C]GCACTCAGCAGGTCGGGAGAGGAAAAGGCGCAGCAAAGCAGTGAGCAGCTCCATCTTAAC-3'
Protein context (NP_001240781.1, residues 482-502): RLFLSRPAEC[Gln492Glu]DMLGRLLYYC

ClinVar aggregate classification (germline): Uncertain significance (1 of 4 stars; one submission).

Conditions:
Hereditary spastic paraplegia 47. Also called: Spastic paraplegia 47, autosomal recessive; CEREBRAL PALSY, SPASTIC QUADRIPLEGIC, 5; adaptor protein 4 (AP-4) deficiency syndrome. Identifiers: Orphanet 280763, MedGen C3279738, MONDO:0013551, OMIM 614066.

Allele frequency attached by ClinVar (database versions not stated): gnomAD exomes below 0.00001; TOPMed below 0.00001.
gnomAD v4.1: 2 of 1,614,208 alleles (0.00012%); highest among the groups gnomAD compares: Non-Finnish European, 0.00017%; no homozygotes.

Submission:

Labcorp Genetics (formerly Invitae), Labcorp
Classification: Uncertain significance for Hereditary spastic paraplegia 47. Last evaluated: 2022-12-02. Review status: criteria provided, single submitter. Criteria: Invitae Variant Classification Sherloc (09022015). Collection method: clinical testing. Allele origin: germline.
Comment: Advanced modeling of protein sequence and biophysical properties (such as structural, functional, and spatial information, amino acid conservation, physicochemical variation, residue mobility, and thermodynamic stability) performed at Invitae indicates that this missense variant is expected to disrupt AP4B1 protein function. ClinVar contains an entry for this variant (Variation ID: 1359361). This variant has not been reported in the literature in individuals affected with AP4B1-related conditions. This variant is not present in population databases (gnomAD no frequency). This sequence change replaces glutamine, which is neutral and polar, with glutamic acid, which is acidic and polar, at codon 492 of the AP4B1 protein (p.Gln492Glu). In summary, the available evidence is currently insufficient to determine the role of this variant in disease. Therefore, it has been classified as a Variant of Uncertain Significance.